The following is an entry in ClinVar:

ClinVar aggregate classification (germline): Likely pathogenic (1 of 4 stars; one submission).

Conditions:
Inborn genetic diseases. Identifiers: MedGen C0950123, MeSH D030342.

Submission:

Ambry Genetics
Classification: Likely pathogenic for Inborn genetic diseases. Last evaluated: 2024-12-03. Review status: criteria provided, single submitter. Criteria: Ambry Variant Classification Scheme 2023. Collection method: clinical testing. Allele origin: germline.
Comment: The c.1709G>A (p.R570Q) alteration is located in coding exon 15 of the GLS gene. This alteration results from a G to A substitution at nucleotide position 1709, causing the arginine (R) at amino acid position 570 to be replaced by a glutamine (Q). for autosomal dominant GLS-related syndrome; however, its clinical significance for autosomal recessive glutaminase deficiency is uncertain. This variant was not reported in population-based cohorts in the Genome Aggregation Database (gnomAD). This variant has been reported in an individual in a developmental disorder cohort but clinical details were limited (Kaplanis, 2020). This amino acid position is highly conserved in available vertebrate species. This missense alteration is located in a region that has a low rate of benign missense variation (Lek, 2016; Firth, 2009). This alteration is predicted to be deleterious by in silico analysis. Based on the available evidence, this alteration is classified as likely pathogenic.

Literature cited by the submitters: PubMed 33057194.

NM_014905.5(GLS):c.1709G>A (p.Arg570Gln)

Gene: GLS (glutaminase; plus strand). Cytogenetic location: 2q32.2.
Variant type: single nucleotide variant.
Coding change: c.1709G>A on transcript NM_014905.5 (MANE Select); coding-DNA position 1709, G replaced by A.
Protein change: p.Arg570Gln; replaces arginine 570 with glutamine.
Molecular consequence: missense variant.
Genome position (GRCh38, 1-based): chr2:190,953,623, G>A. VCF-style: chr2-190953623-G-A. GRCh37 (hg19) VCF-style: chr2-191818349-G-A.
Other names: short protein forms R570Q.
Identifiers: ClinVar variation 3520672 (VCV003520672.1).
Genomic context (GRCh38, chr2:190,953,623, plus strand): 5'-AGGTAAAGTCAGTGATAAATCTTTTGTTTGCTGCATATACTGGAGATGTGTCTGCACTTC[G>A]AAGGTATGTTTACAGGATGGATTAGCATGCACTTTACAGATATTTATGAAGTTGCTTCTG-3'
Protein context (NP_055720.3, residues 560-580): AAYTGDVSAL[Arg570Gln]RFALSAMDME